The following is an entry in ClinVar:

ClinVar aggregate classification (germline): Uncertain significance (1 of 4 stars; one submission).

Conditions:
Colorectal cancer, susceptibility to, 12 (CRCS12). Also called: COLORECTAL CANCER, SUSCEPTIBILITY TO, ON CHROMOSOME 12q24. Identifiers: Orphanet 220460, MedGen C3554460, MONDO:0014038, OMIM 615083.

Submission:

Labcorp Genetics (formerly Invitae), Labcorp
Classification: Uncertain significance for Colorectal cancer, susceptibility to, 12. Last evaluated: 2019-05-31. Review status: criteria provided, single submitter. Criteria: Invitae Variant Classification Sherloc (09022015). Collection method: clinical testing. Allele origin: germline.
Comment: This variant results in a copy number gain of the genomic region encompassing exons 44-49 of the POLE gene. The 5' boundary is likely confined to intron 43. The 3' end of this event is unknown as it extends beyond the assayed region for this gene and therefore may encompass additional genes. As the precise location of this event is unknown, it may be in tandem or it may be located elsewhere in the genome. This variant has not been reported in the literature in individuals with POLE-related conditions. Experimental studies and prediction algorithms are not available or were not evaluated for this variant, and the functional significance of the affected amino acid(s) is currently unknown. In summary, the available evidence is currently insufficient to determine the role of this variant in disease. Therefore, it has been classified as a Variant of Uncertain Significance.

NC_000012.12:g.(?_132624687)_(132632805_?)dup

Gene: POLE (DNA polymerase epsilon, catalytic subunit; minus strand). Cytogenetic location: 12q24.33.
Variant type: Duplication.
Identifiers: ClinVar variation 832196 (VCV000832196.1).